The following is an entry in ClinVar:

ClinVar aggregate classification (germline): Uncertain significance (1 of 4 stars; one submission).

Conditions:
Developmental and epileptic encephalopathy, 1 (DEE1). Also called: X-linked infantile spasms; West's syndrome; Tonic spasms with clustering, arrest of psychomotor development and hypsarrhythmia on EEG; X-Linked Infantile Spasm Syndrome; OHTAHARA SYNDROME, X-LINKED; INFANTILE SPASM SYNDROME, X-LINKED 1. Identifiers: MedGen C3463992, MONDO:0010632, OMIM 308350. Disease mechanism: loss of function.
Intellectual disability, X-linked, with or without seizures, ARX-related. Also called: Mental retardation, X-linked 52; MENTAL RETARDATION, X-LINKED 29; MENTAL RETARDATION, X-LINKED 32; MENTAL RETARDATION, X-LINKED 33; MENTAL RETARDATION, X-LINKED 38; MENTAL RETARDATION, X-LINKED 43. Identifiers: Orphanet 777, MedGen C0796244, MONDO:0010317, OMIM 300419.

gnomAD v4.1: 2 of 1,116,096 alleles (0.00018%); highest among the groups gnomAD compares: Non-Finnish European, 0.00023%; no homozygotes.

Submission:

Labcorp Genetics (formerly Invitae), Labcorp
Classification: Uncertain significance for Developmental and epileptic encephalopathy, 1; Intellectual disability, X-linked, with or without seizures, ARX-related. Last evaluated: 2022-05-28. Review status: criteria provided, single submitter. Criteria: Invitae Variant Classification Sherloc (09022015). Collection method: clinical testing. Allele origin: germline.
Comment: This sequence change replaces alanine, which is neutral and non-polar, with serine, which is neutral and polar, at codon 429 of the ARX protein (p.Ala429Ser). This variant is present in population databases (no rsID available, gnomAD 0.005%), including at least one homozygous and/or hemizygous individual. This variant has not been reported in the literature in individuals affected with ARX-related conditions. Advanced modeling of protein sequence and biophysical properties (such as structural, functional, and spatial information, amino acid conservation, physicochemical variation, residue mobility, and thermodynamic stability) performed at Invitae indicates that this missense variant is expected to disrupt ARX protein function. In summary, the available evidence is currently insufficient to determine the role of this variant in disease. Therefore, it has been classified as a Variant of Uncertain Significance.

NM_139058.3(ARX):c.1285G>T (p.Ala429Ser)

Gene: ARX (aristaless related homeobox; minus strand). Cytogenetic location: Xp21.3.
Variant type: single nucleotide variant.
Coding change: c.1285G>T on transcript NM_139058.3 (MANE Select); coding-DNA position 1285, G replaced by T.
Protein change: p.Ala429Ser; replaces alanine 429 with serine.
Molecular consequence: missense variant.
Genome position (GRCh38, 1-based): chrX:25,007,274, C>A on the plus strand (G>T on the coding strand, the complement: ARX is on the minus strand). VCF-style: chrX-25007274-C-A. GRCh37 (hg19) VCF-style: chrX-25025391-C-A.
Other names: short protein forms A429S.
Identifiers: ClinVar variation 2072743 (VCV002072743.4), dbSNP rs1489958192, ClinGen allele CA412611331.